The following is an entry in ClinVar:

NM_000523.4(HOXD13):c.217G>A (p.Gly73Ser)

Gene: HOXD13 (homeobox D13; plus strand). Cytogenetic location: 2q31.1.
Variant type: single nucleotide variant.
Coding change: c.217G>A on transcript NM_000523.4 (MANE Select); coding-DNA position 217, G replaced by A.
Protein change: p.Gly73Ser; replaces glycine 73 with serine.
Molecular consequence: missense variant.
Genome position (GRCh38, 1-based): chr2:176,093,107, G>A. VCF-style: chr2-176093107-G-A. GRCh37 (hg19) VCF-style: chr2-176957835-G-A.
Other names: short protein forms G73S.
Identifiers: ClinVar variation 1034246 (VCV001034246.4), dbSNP rs544449825, ClinGen allele CA1976546.
Genomic context (GRCh38, chr2:176,093,107, plus strand): 5'-CATTCGGGGCGGGCGGCGGCGGCGGCAGCGGCGGCTGCGGCGGCGGCGGCGGCAGCCTCC[G>A]GCTTTGCGTACCCCGGGACCTCTGAGCGCACGGGCTCTTCCTCGTCGTCGTCCTCTTCTG-3'
Protein context (NP_000514.2, residues 63-83): AAAAAAAAAS[Gly73Ser]FAYPGTSERT

ClinVar aggregate classification (germline): Uncertain significance. Review status: criteria provided, multiple submitters, no conflicts (2 of 4 stars). 2 submissions from 2 submitters: Uncertain significance (2). Last evaluated 2022-12-19.

Conditions:
Brachydactyly-syndactyly syndrome (BDSD). Identifiers: Orphanet 93409, MedGen C1853137, MONDO:0012544, OMIM 610713.
Inborn genetic diseases. Identifiers: MedGen C0950123, MeSH D030342.

Allele frequency attached by ClinVar (database versions not stated): ExAC 0.00002; gnomAD 0.00002 and 0.00003; gnomAD exomes 0.00002; TOPMed 0.00002; 1000 Genomes Project 30x 0.00016; 1000 Genomes Project 0.00020.
gnomAD v4.1: 69 of 1,540,944 alleles (0.0045%); highest among the groups gnomAD compares: Non-Finnish European, 0.0058%; no homozygotes.

Submissions (2):

Ambry Genetics
Classification: Uncertain significance for Inborn genetic diseases. Last evaluated: 2022-12-19. Review status: criteria provided, single submitter. Criteria: Ambry Variant Classification Scheme 2023. Collection method: clinical testing. Allele origin: germline.

Baylor Genetics
Classification: Uncertain significance for Brachydactyly-syndactyly syndrome. Last evaluated: 2018-02-14. Review status: criteria provided, single submitter. Criteria: ACMG Guidelines, 2015. Collection method: clinical testing. Allele origin: unknown. Affected: yes.
Comment: This variant was determined to be of uncertain significance according to ACMG Guidelines, 2015 [PMID:25741868].